The following is an entry in ClinVar:

ClinVar aggregate classification (germline): Conflicting classifications of pathogenicity. Review status: criteria provided, conflicting classifications (1 of 4 stars). 2 submissions from 2 submitters: Uncertain significance (1); Likely benign (1). Last evaluated 2025-01-26.

Allele frequency attached by ClinVar (database versions not stated): ExAC 0.00008; ESP Exome Variant Server 0.00008.
gnomAD v4.1: 211 of 1,613,586 alleles (0.013%); highest among the groups gnomAD compares: Non-Finnish European, 0.017%; no homozygotes.

Submissions (2):

Labcorp Genetics (formerly Invitae), Labcorp
Classification: Uncertain significance. Last evaluated: 2025-01-26. Review status: criteria provided, single submitter. Criteria: Invitae Variant Classification Sherloc (09022015). Collection method: clinical testing. Allele origin: germline.
Comment: This sequence change replaces methionine, which is neutral and non-polar, with threonine, which is neutral and polar, at codon 401 of the CFHR5 protein (p.Met401Thr). This variant is present in population databases (rs201714199, gnomAD 0.02%). This variant has not been reported in the literature in individuals affected with CFHR5-related conditions. ClinVar contains an entry for this variant (Variation ID: 2184417). Invitae Evidence Modeling of protein sequence and biophysical properties (such as structural, functional, and spatial information, amino acid conservation, physicochemical variation, residue mobility, and thermodynamic stability) indicates that this missense variant is not expected to disrupt CFHR5 protein function with a negative predictive value of 80%. In summary, the available evidence is currently insufficient to determine the role of this variant in disease. Therefore, it has been classified as a Variant of Uncertain Significance.

CeGaT Center for Human Genetics Tuebingen
Classification: Likely benign. Last evaluated: 2025-01-01. Review status: criteria provided, single submitter. Criteria: CeGaT Center For Human Genetics Tuebingen Variant Classification Criteria Version 2. Collection method: clinical testing. Allele origin: germline. Affected: yes. Observed: 1 variant allele.
Comment: CFHR5: BS2

NM_030787.4(CFHR5):c.1202T>C (p.Met401Thr)

Gene: CFHR5 (complement factor H related 5; plus strand). Cytogenetic location: 1q31.3.
Variant type: single nucleotide variant.
Coding change: c.1202T>C on transcript NM_030787.4 (MANE Select); coding-DNA position 1202, T replaced by C.
Protein change: p.Met401Thr; replaces methionine 401 with threonine.
Molecular consequence: missense variant.
Genome position (GRCh38, 1-based): chr1:197,002,536, T>C. VCF-style: chr1-197002536-T-C. GRCh37 (hg19) VCF-style: chr1-196971666-T-C.
Other names: short protein forms M401T.
Identifiers: ClinVar variation 2184417 (VCV002184417.17), dbSNP rs201714199, ClinGen allele CA1307998.